The following is an entry in ClinVar:

NM_183075.3(CYP2U1):c.617T>C (p.Val206Ala)

Gene: CYP2U1 (cytochrome P450 family 2 subfamily U member 1; plus strand). Cytogenetic location: 4q25.
Variant type: single nucleotide variant.
Coding change: c.617T>C on transcript NM_183075.3 (MANE Select); coding-DNA position 617, T replaced by C.
Protein change: p.Val206Ala; replaces valine 206 with alanine.
Molecular consequence: missense variant.
Genome position (GRCh38, 1-based): chr4:107,945,096, T>C. VCF-style: chr4-107945096-T-C. GRCh37 (hg19) VCF-style: chr4-108866252-T-C.
Other names: short protein forms V206A.
Identifiers: ClinVar variation 5037020 (VCV005037020.1).

ClinVar aggregate classification (germline): Uncertain significance (1 of 4 stars; one submission).

Submission:

GeneDx
Classification: Uncertain significance. Last evaluated: 2026-04-16. Review status: criteria provided, single submitter. Criteria: GeneDx Variant Classification Process June 2021. Collection method: clinical testing. Allele origin: germline.
Comment: Not observed at significant frequency in large population cohorts (gnomAD); In silico analysis supports that this missense variant has a deleterious effect on protein structure/function; Has not been previously published as pathogenic or benign to our knowledge